The following is an entry in ClinVar:

ClinVar aggregate classification (germline): Uncertain significance. Review status: criteria provided, multiple submitters, no conflicts (2 of 4 stars). 8 submissions from 8 submitters: Uncertain significance (7). 1 of the submissions does not count toward it. Last evaluated 2025-12-27.

Conditions:
CSRP3-related disorder. Also called: CSRP3-related condition; CSRP3-related disorders.
Cardiovascular phenotype. Identifiers: MedGen CN230736.
Dilated cardiomyopathy 1M (CMD1M). Identifiers: Orphanet 154, MedGen C1843808, MONDO:0011840, OMIM 607482.
Hypertrophic cardiomyopathy 12. Identifiers: MedGen C2677491, MONDO:0012804, OMIM 612124.

Allele frequency attached by ClinVar (database versions not stated): ExAC 0.00002; gnomAD 0.00004; TOPMed 0.00008; ESP Exome Variant Server 0.00015.
gnomAD v4.1: 37 of 1,614,090 alleles (0.0023%); highest among the groups gnomAD compares: African/African-American, 0.013%; no homozygotes.

Submissions (8):

Labcorp Genetics (formerly Invitae), Labcorp
Classification: Uncertain significance for Hypertrophic cardiomyopathy 12; Dilated cardiomyopathy 1M. Last evaluated: 2025-12-27. Review status: criteria provided, single submitter. Criteria: Invitae Variant Classification Sherloc (09022015). Collection method: clinical testing. Allele origin: germline.
Comment: This sequence change replaces threonine, which is neutral and polar, with methionine, which is neutral and non-polar, at codon 179 of the CSRP3 protein (p.Thr179Met). This variant is present in population databases (rs142019584, gnomAD 0.03%). This missense change has been observed in individual(s) with hypertrophic cardiomyopathy (PMID: 32746448). ClinVar contains an entry for this variant (Variation ID: 163007). An algorithm developed to predict the effect of missense changes on protein structure and function (PolyPhen-2) suggests that this variant is likely to be tolerated. Algorithms developed to predict the effect of sequence changes on RNA splicing suggest that this variant may disrupt the consensus splice site. In summary, the available evidence is currently insufficient to determine the role of this variant in disease. Therefore, it has been classified as a Variant of Uncertain Significance.

Ambry Genetics
Classification: Uncertain significance for Cardiovascular phenotype. Last evaluated: 2024-01-03. Review status: criteria provided, single submitter. Criteria: Ambry Variant Classification Scheme 2023. Collection method: clinical testing. Allele origin: germline.
Comment: The p.T179M variant (also known as c.536C>T), located in coding exon 5 of the CSRP3 gene, results from a C to T substitution at nucleotide position 536. The threonine at codon 179 is replaced by methionine, an amino acid with similar properties. This variant has been detected in an individual with hypertrophic cardiomyopathy; however, details were limited (Burstein DS et al. Pediatr Res. 2021 May;89(6):1470-1476). This amino acid position is not well conserved in available vertebrate species. In addition, the in silico prediction for this alteration is inconclusive. Since supporting evidence is limited at this time, the clinical significance of this alteration remains unclear.

PreventionGenetics, part of Exact Sciences
Classification: Uncertain significance for CSRP3-related condition. Last evaluated: 2023-09-19. Review status: criteria provided, single submitter. Criteria: ACMG Guidelines, 2015. Collection method: clinical testing. Allele origin: germline.
Comment: The CSRP3 c.536C>T variant is predicted to result in the amino acid substitution p.Thr179Met. This variant was reported in individuals with cardiomyopathy (Lipari et al. 2020. PubMed ID: 31919335; Burstein et al. 2020. PubMed ID: 32746448, supplementary data). This variant is reported in 0.031% of alleles in individuals of African descent in gnomAD. At this time, the clinical significance of this variant is uncertain due to the absence of conclusive functional and genetic evidence.

GeneDx
Classification: Uncertain significance. Last evaluated: 2022-07-22. Review status: criteria provided, single submitter. Criteria: GeneDx Variant Classification Process June 2021. Collection method: clinical testing. Allele origin: germline. Affected: yes.
Comment: Identified in patients with cardiomyopathy in published literature (Lipari et al., 2020; Burstein et al., 2021); In silico analysis supports that this missense variant does not alter protein structure/function; This variant is associated with the following publications: (PMID: 32746448, 31919335)

ARUP Laboratories, Molecular Genetics and Genomics, ARUP Laboratories
Classification: Uncertain significance. Last evaluated: 2020-04-09. Review status: criteria provided, single submitter. Criteria: ARUP Molecular Germline Variant Investigation Process. Collection method: clinical testing. Allele origin: germline.
Comment: The CSRP3 c.536C>T; p.Thr179Met variant (rs142019584), to our knowledge, is not reported in the medical literature but is reported in ClinVar (Variation ID: 163007). This variant is found on only eight chromosomes (8/251428 alleles) in the Genome Aggregation Database. The threonine at codon 179 is weakly conserved, but computational analyses (SIFT: damaging, PolyPhen-2: benign) predict conflicting effects of this variant on protein structure/function. However, due to limited information, the clinical significance of the p.Thr179Met variant is uncertain at this time.

Stanford Center for Inherited Cardiovascular Disease, Stanford University
Classification: Uncertain significance. Last evaluated: 2017-06-26. Review status: criteria provided, single submitter. Criteria: ACMG Guidelines, 2015. Collection method: provider interpretation. Allele origin: germline.

Laboratory for Molecular Medicine, Mass General Brigham Personalized Medicine
Classification: Uncertain significance. Last evaluated: 2013-08-23. Review status: criteria provided, single submitter. Criteria: LMM Criteria. Collection method: clinical testing. Allele origin: germline. Observed: 1 variant allele.
Comment: The Thr179Met variant in CSRP3 has not been previously reported in individuals w ith cardiomyopathy but has been identified in 1/8586 of European American chromo somes and 1/4398 of African American chromosomes by the NHLBI Exome Sequencing P roject (dbSNP rs142019584). Computational ana lyses (biochemical amino acid properties, conservation, AlignGVGD, PolyPhen2, an d SIFT) do not provide strong support for or against an impact to the protein. A dditional information is needed to fully assess the clinical significance of the Thr179Met variant. The Thr179Met variant in CSRP3 (allele frequency=1/8586 of European American chromosomes and 1/4398 of African American; dbSNP rs142019584) **

Laboratory of Genetics and Molecular Cardiology, University of São Paulo
Classification: Likely pathogenic for Hypertrophic cardiomyopathy 12. Review status: flagged submission. Criteria: LGCM Criteria August 2015. Collection method: clinical testing. Allele origin: germline. Inheritance: Autosomal dominant inheritance. Affected: yes. Observed: 1 variant allele. Study: Sarcomeric Human Cardiomyopathy Registry (ShaRe). Not counted in ClinVar's aggregate classification.
ClinVar note: Reason: Outlier claim with insufficient supporting evidence

Literature cited by the submitters: PubMed 32746448 (cited by Labcorp Genetics (formerly Invitae), Labcorp and Ambry Genetics).

NM_003476.5(CSRP3):c.536C>T (p.Thr179Met)

Gene: CSRP3 (cysteine and glycine rich protein 3; minus strand). Cytogenetic location: 11p15.1.
Variant type: single nucleotide variant.
Coding change: c.536C>T on transcript NM_003476.5 (MANE Select); coding-DNA position 536, C replaced by T.
Protein change: p.Thr179Met; replaces threonine 179 with methionine.
Molecular consequence: missense variant.
Genome position (GRCh38, 1-based): chr11:19,182,719, G>A on the plus strand (C>T on the coding strand, the complement: CSRP3 is on the minus strand). VCF-style: chr11-19182719-G-A. GRCh37 (hg19) VCF-style: chr11-19204266-G-A.
Other names: c.367C>T, p.Arg123Trp (NM_001369404.1); short protein forms T179M, R123W.
Identifiers: ClinVar variation 163007 (VCV000163007.26), dbSNP rs142019584, ClinGen allele CA175597.